The following is an entry in ClinVar:

ClinVar aggregate classification (germline): Uncertain significance (1 of 4 stars; one submission).

Submission:

Labcorp Genetics (formerly Invitae), Labcorp
Classification: Uncertain significance. Last evaluated: 2025-05-05. Review status: criteria provided, single submitter. Criteria: Invitae Variant Classification Sherloc (09022015). Collection method: clinical testing. Allele origin: germline.
Comment: This variant occurs in a non-coding region of the CHM gene. It does not change the encoded amino acid sequence of the CHM protein. The frequency data for this variant in the population databases is considered unreliable, as metrics indicate insufficient coverage at this position in the gnomAD database. This variant has been observed in individual(s) with choroidemia (PMID: 30341801). Studies have shown that this variant alters CHM gene expression (PMID: 30341801). In summary, the available evidence is currently insufficient to determine the role of this variant in disease. Therefore, it has been classified as a Variant of Uncertain Significance.

Literature cited by the submitters: PubMed 30341801.

NC_000023.11:g.86047622G>C

Gene: CHM (CHM Rab escort protein; minus strand). Cytogenetic location: Xq21.2.
Variant type: single nucleotide variant.
Genome position: GRCh38 VCF-style: chrX-86047622-G-C. GRCh37 (hg19) VCF-style: chrX-85302626-G-C.
Identifiers: ClinVar variation 4739119 (VCV004739119.1).